The following is an entry in ClinVar:

NM_000237.3(LPL):c.686A>G (p.His229Arg)

Gene: LPL (lipoprotein lipase; plus strand). Cytogenetic location: 8p21.3.
Variant type: single nucleotide variant.
Coding change: c.686A>G on transcript NM_000237.3 (MANE Select); coding-DNA position 686, A replaced by G.
Protein change: p.His229Arg; replaces histidine 229 with arginine.
Molecular consequence: missense variant.
Genome position (GRCh38, 1-based): chr8:19,954,264, A>G. VCF-style: chr8-19954264-A-G. GRCh37 (hg19) VCF-style: chr8-19811775-A-G.
Other names: short protein forms H229R.
Identifiers: ClinVar variation 1303255 (VCV001303255.2), dbSNP rs1287351470, ClinGen allele CA370468550.
Genomic context (GRCh38, chr8:19,954,264, plus strand): 5'-TACACACATTCACCAGAGGGTCCCCTGGTCGAAGCATTGGAATCCAGAAACCAGTTGGGC[A>G]TGTTGACATTTACCCGAATGGAGGTACTTTTCAGCCAGGATGTAACATTGGAGAAGCTAT-3'
Protein context (NP_000228.1, residues 219-239): RSIGIQKPVG[His229Arg]VDIYPNGGTF

ClinVar aggregate classification (germline): Uncertain significance (1 of 4 stars; one submission).

Allele frequency attached by ClinVar (database versions not stated): TOPMed 0.00001; gnomAD exomes below 0.00001.
gnomAD v4.1: 1 of 1,614,208 alleles (0.000062%); highest among the groups gnomAD compares: African/African-American, 0.0013%; no homozygotes.

Submission:

GeneDx
Classification: Uncertain significance. Last evaluated: 2019-09-30. Review status: criteria provided, single submitter. Criteria: GeneDx Variant Classification Process June 2021. Collection method: clinical testing. Allele origin: germline. Affected: yes.
Comment: Not observed at a significant frequency in large population cohorts (Lek et al., 2016); In silico analysis, which includes protein predictors and evolutionary conservation, supports a deleterious effect; Reported in a patient with hepatomegaly and hypertriglyceridemia who is compound heterozygous for another missense variant in the LPL gene (Rabacchi et al., 2015); This variant is associated with the following publications: (PMID: 25966443, 28391895)